The following is an entry in ClinVar:

NM_058172.6(ANTXR2):c.487-2A>G

Gene: ANTXR2 (ANTXR cell adhesion molecule 2; minus strand). Cytogenetic location: 4q21.21.
Variant type: single nucleotide variant.
Coding change: c.487-2A>G on transcript NM_058172.6 (MANE Select); the canonical splice acceptor site of the intron before coding-DNA position 487, A replaced by G.
Molecular consequence: splice acceptor variant.
Genome position (GRCh38, 1-based): chr4:80,055,220, T>C on the plus strand (A>G on the coding strand, the complement: ANTXR2 is on the minus strand). VCF-style: chr4-80055220-T-C. GRCh37 (hg19) VCF-style: chr4-80976374-T-C.
Other names: c.256-2A>G (NM_001286780.2, NM_001286781.2); c.487-2A>G (NM_001145794.2).
Identifiers: ClinVar variation 2431563 (VCV002431563.1), dbSNP rs2476136571, ClinGen allele CA357472906.

ClinVar aggregate classification (germline): Likely pathogenic (1 of 4 stars; one submission).

Conditions:
Hyaline fibromatosis syndrome (HFS). Also called: Hyalinosis, Inherited Systemic; HYALINOSIS, SYSTEMIC. Identifiers: Orphanet 2028, Orphanet 498474, MedGen C5574677, MONDO:0009229, OMIM 228600.

Submission:

Laboratorio de Genetica e Diagnostico Molecular, Hospital Israelita Albert Einstein
Classification: Likely pathogenic for Hyaline fibromatosis syndrome. Last evaluated: 2023-02-03. Review status: criteria provided, single submitter. Criteria: ACMG Guidelines, 2015. Collection method: clinical testing. Allele origin: germline. Affected: yes. Observed: 1 variant allele.
Comment: ACMG classification criteria: PVS1 strong, PM2 moderated, PM3 moderated